The following is an entry in ClinVar:

NM_001065.4(TNFRSF1A):c.197C>T (p.Thr66Ile)

Gene: TNFRSF1A (TNF receptor superfamily member 1A; minus strand). Cytogenetic location: 12p13.31.
Variant type: single nucleotide variant.
Coding change: c.197C>T on transcript NM_001065.4 (MANE Select); coding-DNA position 197, C replaced by T.
Protein change: p.Thr66Ile; replaces threonine 66 with isoleucine.
Molecular consequence: missense variant. On other transcripts: 5 prime UTR variant (2), non-coding transcript variant (1).
Genome position (GRCh38, 1-based): chr12:6,333,862, G>A on the plus strand (C>T on the coding strand, the complement: TNFRSF1A is on the minus strand). VCF-style: chr12-6333862-G-A. GRCh37 (hg19) VCF-style: chr12-6443028-G-A.
Other names: c.-128C>T (NM_001346091.2); c.-381C>T (NM_001346092.2); short protein forms T66I.
Identifiers: ClinVar variation 97658 (VCV000097658.4), dbSNP rs104895243, ClinGen allele CA280733.

ClinVar aggregate classification (germline): Uncertain significance. Review status: criteria provided, single submitter (1 of 4 stars). 2 submissions from 2 submitters: Uncertain significance (1). 1 of the submissions does not count toward it. Last evaluated 2023-12-09.

Conditions:
TNF receptor-associated periodic fever syndrome (TRAPS) (FPF). Also called: Autosomal Dominant Familial Periodic Fever; TNF RECEPTOR-ASSOCIATED PERIODIC SYNDROME; TUMOR NECROSIS FACTOR RECEPTOR-ASSOCIATED PERIODIC SYNDROME; TNF Receptor-Associated Periodic Fever Syndrome; FAMILIAL HIBERNIAN FEVER; TNF receptor 1-associated periodic fever syndrome. Identifiers: Orphanet 32960, MedGen C1275126, MONDO:0007727, OMIM 142680.

Submissions (2):

Labcorp Genetics (formerly Invitae), Labcorp
Classification: Uncertain significance for TNF receptor-associated periodic fever syndrome (TRAPS). Last evaluated: 2023-12-09. Review status: criteria provided, single submitter. Criteria: Invitae Variant Classification Sherloc (09022015). Collection method: clinical testing. Allele origin: germline.
Comment: This sequence change replaces threonine, which is neutral and polar, with isoleucine, which is neutral and non-polar, at codon 66 of the TNFRSF1A protein (p.Thr66Ile). This variant is not present in population databases (gnomAD no frequency). This missense change has been observed in individual(s) with TNF receptor-associated periodic fever syndrome (PMID: 13130484, 23965844). This variant is also known as T37I. ClinVar contains an entry for this variant (Variation ID: 97658). Advanced modeling of protein sequence and biophysical properties (such as structural, functional, and spatial information, amino acid conservation, physicochemical variation, residue mobility, and thermodynamic stability) has been performed at Invitae for this missense variant, however the output from this modeling did not meet the statistical confidence thresholds required to predict the impact of this variant on TNFRSF1A protein function. In summary, the available evidence is currently insufficient to determine the role of this variant in disease. Therefore, it has been classified as a Variant of Uncertain Significance.

Unité médicale des maladies autoinflammatoires, CHRU Montpellier
No classification provided. Condition: TNF receptor-associated periodic fever syndrome (TRAPS). Review status: no classification provided. Collection method: not provided. Allele origin: unknown. Not counted in ClinVar's aggregate classification.

Literature cited by the submitters: PubMed 13130484 (cited by Labcorp Genetics (formerly Invitae), Labcorp); PubMed 23965844 (cited by Labcorp Genetics (formerly Invitae), Labcorp).